The following is an entry in ClinVar:

ClinVar aggregate classification (germline): Pathogenic (1 of 4 stars; one submission).

Conditions:
Neurofibromatosis, type 1 (NF1). Also called: NEUROFIBROMATOSIS, TYPE I, SOMATIC; VON RECKLINGHAUSEN DISEASE; Peripheral type neurofibromatosis; Neurofibromatosis, type I. Identifiers: Orphanet 636, MedGen C0027831, MONDO:0018975, OMIM 162200. Disease mechanism: loss of function.

Submission:

Labcorp Genetics (formerly Invitae), Labcorp
Classification: Pathogenic for Neurofibromatosis, type 1. Last evaluated: 2025-08-10. Review status: criteria provided, single submitter. Criteria: Invitae Variant Classification Sherloc (09022015). Collection method: clinical testing. Allele origin: germline.
Comment: This sequence change creates a premature translational stop signal (p.Tyr1763*) in the NF1 gene. It is expected to result in an absent or disrupted protein product. Loss-of-function variants in NF1 are known to be pathogenic (PMID: 10712197, 23913538). This variant is not present in population databases (gnomAD no frequency). This premature translational stop signal has been observed in individual(s) with neurofibromatosis type 1 (PMID: 18041031). Algorithms developed to predict the effect of sequence changes on RNA splicing suggest that this variant may disrupt the consensus splice site. For these reasons, this variant has been classified as Pathogenic.

Literature cited by the submitters: PubMed 10712197; PubMed 23913538; PubMed 18041031.

NM_001042492.3(NF1):c.5351dup (p.Tyr1784Ter)

Gene: NF1 (neurofibromin 1; plus strand). Cytogenetic location: 17q11.2.
Variant type: Duplication.
Coding change: c.5351dup on transcript NM_001042492.3 (MANE Select); coding-DNA position 5351, one base duplicated (A; older notation c.5351dupA).
Protein change: p.Tyr1784Ter; replaces tyrosine 1784 with a stop codon.
Molecular consequence: nonsense.
Genome position (GRCh38, 1-based): chr17:31,327,581, A duplicated. VCF-style (leftmost placement, unchanged base first): chr17-31327580-T-TA. GRCh37 (hg19) VCF-style: chr17-29654598-T-TA.
Other names: c.5288dup, p.Tyr1763Ter (NM_000267.4); short protein forms Y1784*, Y1763*.
Identifiers: ClinVar variation 4725104 (VCV004725104.1).